The following is an entry in ClinVar:

ClinVar aggregate classification (germline): Uncertain significance. Review status: criteria provided, multiple submitters, no conflicts (2 of 4 stars). 2 submissions from 2 submitters: Uncertain significance (2). Last evaluated 2025-05-20.

Conditions:
Inborn genetic diseases. Identifiers: MedGen C0950123, MeSH D030342.

Allele frequency attached by ClinVar (database versions not stated): gnomAD exomes 0.00001; TOPMed 0.00001.
gnomAD v4.1: 9 of 1,614,000 alleles (0.00056%); highest among the groups gnomAD compares: South Asian, 0.0066%; no homozygotes.

Submissions (2):

Ambry Genetics
Classification: Uncertain significance for Inborn genetic diseases. Last evaluated: 2025-05-20. Review status: criteria provided, single submitter. Criteria: Ambry Variant Classification Scheme 2023. Collection method: clinical testing. Allele origin: germline.

Labcorp Genetics (formerly Invitae), Labcorp
Classification: Uncertain significance. Last evaluated: 2022-04-13. Review status: criteria provided, single submitter. Criteria: Invitae Variant Classification Sherloc (09022015). Collection method: clinical testing. Allele origin: germline.
Comment: This sequence change replaces aspartic acid, which is acidic and polar, with asparagine, which is neutral and polar, at codon 155 of the KIAA1549 protein (p.Asp155Asn). This variant is present in population databases (no rsID available, gnomAD 0.006%). This variant has not been reported in the literature in individuals affected with KIAA1549-related conditions. ClinVar contains an entry for this variant (Variation ID: 1008371). Algorithms developed to predict the effect of missense changes on protein structure and function are either unavailable or do not agree on the potential impact of this missense change (SIFT: "Deleterious"; PolyPhen-2: "Benign"; Align-GVGD: "Class C0"). In summary, the available evidence is currently insufficient to determine the role of this variant in disease. Therefore, it has been classified as a Variant of Uncertain Significance.

NM_001164665.2(KIAA1549):c.463G>A (p.Asp155Asn)

Gene: KIAA1549 (KIAA1549; minus strand). Cytogenetic location: 7q34.
Variant type: single nucleotide variant.
Coding change: c.463G>A on transcript NM_001164665.2 (MANE Select); coding-DNA position 463, G replaced by A.
Protein change: p.Asp155Asn; replaces aspartic acid 155 with asparagine.
Molecular consequence: missense variant.
Genome position (GRCh38, 1-based): chr7:138,919,163, C>T on the plus strand (G>A on the coding strand, the complement: KIAA1549 is on the minus strand). VCF-style: chr7-138919163-C-T. GRCh37 (hg19) VCF-style: chr7-138603909-C-T.
Other names: c.463G>A, p.Asp155Asn (NM_020910.3); c.463G>A (NM_001164665.1); short protein forms D155N.
Identifiers: ClinVar variation 1008371 (VCV001008371.6), dbSNP rs1039059048, ClinGen allele CA167167145.